The following is an entry in ClinVar:

ClinVar aggregate classification (germline): Uncertain significance. Review status: criteria provided, multiple submitters, no conflicts (2 of 4 stars). 2 submissions from 2 submitters: Uncertain significance (2). Last evaluated 2025-02-24.

Conditions:
Wilson disease (WND). Also called: Wilson's disease. Identifiers: Orphanet 905, MedGen C0019202, MONDO:0010200, OMIM 277900. Disease mechanism: loss of function.

gnomAD v4.1: 4 of 1,614,110 alleles (0.00025%); highest among the groups gnomAD compares: African/African-American, 0.0053%; no homozygotes.

Submissions (2):

GeneDx
Classification: Uncertain significance. Last evaluated: 2025-02-24. Review status: criteria provided, single submitter. Criteria: GeneDx Variant Classification Process June 2021. Collection method: clinical testing. Allele origin: germline. Affected: yes.
Comment: In silico analysis supports that this missense variant has a deleterious effect on protein structure/function; Has not been previously published as pathogenic or benign to our knowledge

Fulgent Genetics
Classification: Uncertain significance for Wilson disease. Last evaluated: 2024-06-11. Review status: criteria provided, single submitter. Criteria: ACMG Guidelines, 2015. Collection method: clinical testing. Allele origin: germline.

NM_000053.4(ATP7B):c.372C>G (p.Ser124Arg)

Gene: ATP7B (ATPase copper transporting beta; minus strand). Cytogenetic location: 13q14.3.
Variant type: single nucleotide variant.
Coding change: c.372C>G on transcript NM_000053.4 (MANE Select); coding-DNA position 372, C replaced by G.
Protein change: p.Ser124Arg; replaces serine 124 with arginine.
Molecular consequence: missense variant.
Genome position (GRCh38, 1-based): chr13:51,974,848, G>C on the plus strand (C>G on the coding strand, the complement: ATP7B is on the minus strand). VCF-style: chr13-51974848-G-C. GRCh37 (hg19) VCF-style: chr13-52548984-G-C.
Other names: c.372C>G (NM_000053.3); c.372C>G, p.Ser124Arg (NM_001406527.1, NM_001406528.1, NM_001406531.1 and 30 more transcripts); c.276C>G, p.Ser92Arg (NM_001406530.1, NM_001406536.1, NM_001406517.1 and 4 more transcripts); short protein forms S124R, S92R.
Identifiers: ClinVar variation 3576331 (VCV003576331.2).